The following is an entry in ClinVar:

ClinVar aggregate classification (germline): Uncertain significance (1 of 4 stars; one submission).

Conditions:
Carnitine palmitoyltransferase II deficiency. Also called: Carnitine Palmitoyltransferase 2 Deficiency. Identifiers: Orphanet 157, MedGen C0342790, MONDO:0015515.

Submission:

Labcorp Genetics (formerly Invitae), Labcorp
Classification: Uncertain significance for Carnitine palmitoyltransferase II deficiency. Last evaluated: 2022-07-26. Review status: criteria provided, single submitter. Criteria: Invitae Variant Classification Sherloc (09022015). Collection method: clinical testing. Allele origin: germline.
Comment: This sequence change replaces lysine, which is basic and polar, with glutamine, which is neutral and polar, at codon 85 of the CPT2 protein (p.Lys85Gln). This variant is not present in population databases (gnomAD no frequency). This variant has not been reported in the literature in individuals affected with CPT2-related conditions. ClinVar contains an entry for this variant (Variation ID: 1379138). Advanced modeling of protein sequence and biophysical properties (such as structural, functional, and spatial information, amino acid conservation, physicochemical variation, residue mobility, and thermodynamic stability) performed at Invitae indicates that this missense variant is not expected to disrupt CPT2 protein function. In summary, the available evidence is currently insufficient to determine the role of this variant in disease. Therefore, it has been classified as a Variant of Uncertain Significance.

NM_000098.3(CPT2):c.253A>C (p.Lys85Gln)

Gene: CPT2 (carnitine palmitoyltransferase 2; plus strand). Cytogenetic location: 1p32.3.
Variant type: single nucleotide variant.
Coding change: c.253A>C on transcript NM_000098.3 (MANE Select); coding-DNA position 253, A replaced by C.
Protein change: p.Lys85Gln; replaces lysine 85 with glutamine.
Molecular consequence: missense variant.
Genome position (GRCh38, 1-based): chr1:53,202,342, A>C. VCF-style: chr1-53202342-A-C. GRCh37 (hg19) VCF-style: chr1-53668014-A-C.
Other names: c.253A>C, p.Lys85Gln (NM_001330589.2); short protein forms K85Q.
Identifiers: ClinVar variation 1379138 (VCV001379138.3), dbSNP rs2100261799, ClinGen allele CA340389466.
Genomic context (GRCh38, chr1:53,202,342, plus strand): 5'-CCCTACCATGGTTTGATTTTGTCTTTTCTTGAATGTTTTAGGAAAACAGAACAATTTTGC[A>C]AGAGTTTTGAAAATGGGATTGGAAAAGAACTGCATGAGCAGCTGGTTGCTCTGGACAAAC-3'
Protein context (NP_000089.1, residues 75-95): GQFRKTEQFC[Lys85Gln]SFENGIGKEL